The following is an entry in ClinVar:

ClinVar aggregate classification (germline): Conflicting classifications of pathogenicity. Review status: criteria provided, conflicting classifications (1 of 4 stars). 5 submissions from 5 submitters: Uncertain significance (3); Likely benign (1). 1 of the submissions does not count toward it. Last evaluated 2023-08-25.

Conditions:
ALMS1-related disorder. Also called: ALMS1-related condition.
Cardiovascular phenotype. Identifiers: MedGen CN230736.
Alstrom syndrome (ALMS). Identifiers: Orphanet 64, MedGen C0268425, MONDO:0008763, OMIM 203800.

Allele frequency attached by ClinVar (database versions not stated): gnomAD exomes below 0.00001 and 0.00001; ExAC 0.00001; TOPMed 0.00002; gnomAD 0.00004.
gnomAD v4.1: 15 of 1,613,588 alleles (0.00093%); highest among the groups gnomAD compares: Admixed American, 0.012%; no homozygotes.

Submissions (5):

Ambry Genetics
Classification: Uncertain significance for Cardiovascular phenotype. Last evaluated: 2023-08-25. Review status: criteria provided, single submitter. Criteria: Ambry Variant Classification Scheme 2023. Collection method: clinical testing. Allele origin: germline.
Comment: The p.A2482T variant (also known as c.7444G>A), located in coding exon 8 of the ALMS1 gene, results from a G to A substitution at nucleotide position 7444. The alanine at codon 2482 is replaced by threonine, an amino acid with similar properties. This amino acid position is well conserved in available vertebrate species. In addition, the in silico prediction for this alteration is inconclusive. Since supporting evidence is limited at this time, the clinical significance of this alteration remains unclear.

GeneDx
Classification: Uncertain significance. Last evaluated: 2022-12-05. Review status: criteria provided, single submitter. Criteria: GeneDx Variant Classification Process June 2021. Collection method: clinical testing. Allele origin: germline. Affected: yes.
Comment: Not observed at a significant frequency in large population cohorts (gnomAD); In silico analysis supports that this missense variant does not alter protein structure/function; Has not been previously published as pathogenic or benign to our knowledge

Labcorp Genetics (formerly Invitae), Labcorp
Classification: Uncertain significance for Alstrom syndrome. Last evaluated: 2022-08-21. Review status: criteria provided, single submitter. Criteria: Invitae Variant Classification Sherloc (09022015). Collection method: clinical testing. Allele origin: germline.
Comment: This sequence change replaces alanine, which is neutral and non-polar, with threonine, which is neutral and polar, at codon 2482 of the ALMS1 protein (p.Ala2482Thr). This variant is present in population databases (rs760068474, gnomAD 0.008%). This variant has not been reported in the literature in individuals affected with ALMS1-related conditions. ClinVar contains an entry for this variant (Variation ID: 517655). Algorithms developed to predict the effect of missense changes on protein structure and function output the following: SIFT: "Not Available"; PolyPhen-2: "Not Available"; Align-GVGD: "Not Available". The threonine amino acid residue is found in multiple mammalian species, which suggests that this missense change does not adversely affect protein function. In summary, the available evidence is currently insufficient to determine the role of this variant in disease. Therefore, it has been classified as a Variant of Uncertain Significance.

Laboratory for Molecular Medicine, Mass General Brigham Personalized Medicine
Classification: Likely benign. Last evaluated: 2017-12-21. Review status: criteria provided, single submitter. Criteria: LMM Criteria. Collection method: clinical testing. Allele origin: germline. Observed: 1 variant allele.
Comment: p.Ala2480Thr in exon 8 of ALMS1: This variant is not expected to have clinical s ignificance due to a lack of conservation across species, including mammals. Of note, the Egyptian jerboa, shrew, pika, and Cape golden mole have a threonine (T hr) at this position despite high nearby amino acid conservation. It has also be en identified in 2/23968 African chromosomes by the Genome Aggregation Database (gnomAD; dbSNP rs760068474). ACMG/AMP Criteria applied: BP4_Strong.

PreventionGenetics, part of Exact Sciences
Classification: Uncertain significance for ALMS1-related condition. Last evaluated: 2024-02-13. Review status: no assertion criteria provided. Collection method: clinical testing. Allele origin: germline. Not counted in ClinVar's aggregate classification.
Comment: The ALMS1 c.7444G>A variant is predicted to result in the amino acid substitution p.Val2482Met. To our knowledge, this variant has not been reported in the literature. This variant is reported in 0.0029% of alleles in individuals of Latino descent in gnomAD. At this time, the clinical significance of this variant is uncertain due to the absence of conclusive functional and genetic evidence.

NM_001378454.1(ALMS1):c.7441G>A (p.Ala2481Thr)

Gene: ALMS1 (ALMS1 centrosome and basal body associated protein; plus strand). Cytogenetic location: 2p13.1.
Variant type: single nucleotide variant.
Coding change: c.7441G>A on transcript NM_001378454.1 (MANE Select); coding-DNA position 7441, G replaced by A.
Protein change: p.Ala2481Thr; replaces alanine 2481 with threonine.
Molecular consequence: missense variant.
Genome position (GRCh38, 1-based): chr2:73,453,968, G>A. VCF-style: chr2-73453968-G-A. GRCh37 (hg19) VCF-style: chr2-73681095-G-A.
Other names: c.7444G>A, p.Ala2482Thr (NM_015120.4); short protein forms A2482T, A2481T.
Identifiers: ClinVar variation 517655 (VCV000517655.12), dbSNP rs760068474, ClinGen allele CA1714233.
Genomic context (GRCh38, chr2:73,453,968, plus strand): 5'-GAGGAAGAGGGTGTGTCAGAGAGTGAGGATGGTGGTGGTAGCAGTGTAGATTCACTGGCT[G>A]CACATGTGAAAAACCTTCTGCAATGTGAATCCTCACTGAATCATGCTAAAGAAATACTCA-3'
Protein context (NP_001365383.1, residues 2471-2491): GGGSSVDSLA[Ala2481Thr]HVKNLLQCES